The following is an entry in ClinVar:

NM_001199107.2(TBC1D24):c.1206+6C>T

Gene: TBC1D24 (TBC1 domain family member 24; plus strand). Cytogenetic location: 16p13.3.
Variant type: single nucleotide variant.
Coding change: c.1206+6C>T on transcript NM_001199107.2 (MANE Select); 6 bases into the intron after coding-DNA position 1206, C replaced by T.
Molecular consequence: intron variant.
Genome position (GRCh38, 1-based): chr16:2,499,426, C>T. VCF-style: chr16-2499426-C-T. GRCh37 (hg19) VCF-style: chr16-2549427-C-T.
Other names: c.1188+6C>T (NM_020705.3).
Identifiers: ClinVar variation 1209461 (VCV001209461.9), dbSNP rs974544530, ClinGen allele CA276809917.
Genomic context (GRCh38, chr16:2,499,426, plus strand): 5'-CCAGTGTGAAGGACATGAGCCTACCCTCTTGCTCATCAAGACCACGCAGAAGGAGGTGAG[C>T]AGGGGCCCTGGAGCCAGGGCTGGCTCTGATGGGCTCCAGGGCTGGCTCTGATGGGCTCCA-3'

ClinVar aggregate classification (germline): Conflicting classifications of pathogenicity. Review status: criteria provided, conflicting classifications (1 of 4 stars). 2 submissions from 2 submitters: Uncertain significance (1); Likely benign (1). Last evaluated 2024-11-06.

Conditions:
Developmental and epileptic encephalopathy, 1 (DEE1). Also called: X-linked infantile spasms; West's syndrome; Tonic spasms with clustering, arrest of psychomotor development and hypsarrhythmia on EEG; X-Linked Infantile Spasm Syndrome; OHTAHARA SYNDROME, X-LINKED; INFANTILE SPASM SYNDROME, X-LINKED 1. Identifiers: MedGen C3463992, MONDO:0010632, OMIM 308350. Disease mechanism: loss of function.
Autosomal dominant nonsyndromic hearing loss 65. Also called: Deafness, autosomal dominant 65; TBC1D24-Related Autosomal Dominant Nonsyndromic Hearing Loss (DFNA). Identifiers: Orphanet 90635, MedGen C3892048, MONDO:0014470, OMIM 616044.

Allele frequency attached by ClinVar (database versions not stated): gnomAD exomes 0.00002; TOPMed below 0.00001; gnomAD 0.00001.
gnomAD v4.1: 29 of 1,612,776 alleles (0.0018%); highest among the groups gnomAD compares: Non-Finnish European, 0.0024%; no homozygotes.

Submissions (2):

Labcorp Genetics (formerly Invitae), Labcorp
Classification: Uncertain significance for Developmental and epileptic encephalopathy, 1; Autosomal dominant nonsyndromic hearing loss 65. Last evaluated: 2024-11-06. Review status: criteria provided, single submitter. Criteria: Invitae Variant Classification Sherloc (09022015). Collection method: clinical testing. Allele origin: germline.
Comment: This sequence change falls in intron 5 of the TBC1D24 gene. It does not directly change the encoded amino acid sequence of the TBC1D24 protein. It affects a nucleotide within the consensus splice site. This variant is not present in population databases (gnomAD no frequency). This variant has not been reported in the literature in individuals affected with TBC1D24-related conditions. ClinVar contains an entry for this variant (Variation ID: 1209461). Variants that disrupt the consensus splice site are a relatively common cause of aberrant splicing (PMID: 17576681, 9536098). Algorithms developed to predict the effect of sequence changes on RNA splicing suggest that this variant is not likely to affect RNA splicing. In summary, the available evidence is currently insufficient to determine the role of this variant in disease. Therefore, it has been classified as a Variant of Uncertain Significance.

GeneDx
Classification: Likely benign. Last evaluated: 2019-02-12. Review status: criteria provided, single submitter. Criteria: GeneDx Variant Classification Process June 2021. Collection method: clinical testing. Allele origin: germline. Affected: yes.

Literature cited by the submitters: PubMed 17576681 (cited by Labcorp Genetics (formerly Invitae), Labcorp); PubMed 9536098 (cited by Labcorp Genetics (formerly Invitae), Labcorp).